The following is an entry in ClinVar:

ClinVar aggregate classification (germline): Conflicting classifications of pathogenicity. Review status: criteria provided, conflicting classifications (1 of 4 stars). 5 submissions from 5 submitters: Likely pathogenic (1); Uncertain significance (4). Last evaluated 2026-02-26.

Conditions:
Cardiovascular phenotype. Identifiers: MedGen CN230736.
Hereditary cancer-predisposing syndrome. Also called: Hereditary neoplastic syndrome; Neoplastic Syndromes, Hereditary; Tumor predisposition; Hereditary Cancer Syndrome. Identifiers: Orphanet 140162, MedGen C0027672, MeSH D009386, MONDO:0015356.
Neurofibromatosis, type 1 (NF1). Also called: VON RECKLINGHAUSEN DISEASE; Peripheral type neurofibromatosis; NEUROFIBROMATOSIS, TYPE I, SOMATIC; Neurofibromatosis, type I. Identifiers: Orphanet 636, MedGen C0027831, MONDO:0018975, OMIM 162200. Disease mechanism: loss of function.

Submissions (5):

NHS Central & South Genomic Laboratory Hub
Classification: Likely pathogenic for Neurofibromatosis type 1. Last evaluated: 2026-02-26. Review status: criteria provided, single submitter. Criteria: ACMG Guidelines, 2015. Collection method: clinical testing. Allele origin: germline. Affected: yes.

Labcorp Genetics (formerly Invitae), Labcorp
Classification: Uncertain significance for Neurofibromatosis, type 1. Last evaluated: 2023-12-16. Review status: criteria provided, single submitter. Criteria: Invitae Variant Classification Sherloc (09022015). Collection method: clinical testing. Allele origin: germline.
Comment: This sequence change replaces arginine, which is basic and polar, with proline, which is neutral and non-polar, at codon 16 of the NF1 protein (p.Arg16Pro). This variant is not present in population databases (gnomAD no frequency). This missense change has been observed in individual(s) with neurofibromatosis type 1 and childhood cancer (PMID: 23758643, 29489754). ClinVar contains an entry for this variant (Variation ID: 481953). Advanced modeling of protein sequence and biophysical properties (such as structural, functional, and spatial information, amino acid conservation, physicochemical variation, residue mobility, and thermodynamic stability) has been performed at Invitae for this missense variant, however the output from this modeling did not meet the statistical confidence thresholds required to predict the impact of this variant on NF1 protein function. In summary, the available evidence is currently insufficient to determine the role of this variant in disease. Therefore, it has been classified as a Variant of Uncertain Significance.

Quest Diagnostics Nichols Institute San Juan Capistrano
Classification: Uncertain significance. Last evaluated: 2023-11-17. Review status: criteria provided, single submitter. Criteria: Quest Diagnostics criteria. Collection method: clinical testing. Allele origin: unknown.

Genome-Nilou Lab
Classification: Uncertain significance for Neurofibromatosis, type 1. Last evaluated: 2022-03-15. Review status: criteria provided, single submitter. Criteria: ACMG Guidelines, 2015. Collection method: clinical testing. Allele origin: germline. Affected: no.

Ambry Genetics
Classification: Uncertain significance for Cardiovascular phenotype; Hereditary cancer-predisposing syndrome. Last evaluated: 2016-09-26. Review status: criteria provided, single submitter. Criteria: Ambry Variant Classification Scheme 2023. Collection method: clinical testing. Allele origin: germline.
Comment: The p.R16P variant (also known as c.47G>C), located in coding exon 1 of the NF1 gene, results from a G to C substitution at nucleotide position 47. The arginine at codon 16 is replaced by proline, an amino acid with dissimilar properties. This alteration has been detected in an individual with a clinical diagnosis of neurofibromatosis type 1 (Nemethova M et al. Ann. Hum. Genet., 2013 Sep;77:364-79). This variant was not reported in population based cohorts in the following databases: Database of Single Nucleotide Polymorphisms (dbSNP), NHLBI Exome Sequencing Project (ESP), and 1000 Genomes Project. In the ESP, this variant was not observed in 5592 samples (11184 alleles) with coverage at this position. To date, this alteration has been detected with an allele frequency of approximately 0.001% (greater than 175000 alleles tested) in our clinical cohort. This amino acid position is conserved on limited sequence alignment. In addition, the in silico prediction for this alteration is inconclusive. Since supporting evidence is limited at this time, the clinical significance of this alteration remains unclear.

Literature cited by the submitters: PubMed 23758643 (cited by Labcorp Genetics (formerly Invitae), Labcorp and Quest Diagnostics Nichols Institute San Juan Capistrano); PubMed 29489754 (cited by Labcorp Genetics (formerly Invitae), Labcorp and Quest Diagnostics Nichols Institute San Juan Capistrano).

NM_001042492.3(NF1):c.47G>C (p.Arg16Pro)

Genes: MIR4733HG (MIR4733 host gene; minus strand), NF1 (neurofibromin 1; plus strand), LOC111811965 (NF1 (neurofibromin 1) promoter region; plus strand). Cytogenetic location: 17q11.2.
Variant type: single nucleotide variant.
Coding change: c.47G>C on transcript NM_001042492.3 (MANE Select); coding-DNA position 47, G replaced by C.
Protein change: p.Arg16Pro; replaces arginine 16 with proline.
Molecular consequence: missense variant. On other transcripts: non-coding transcript variant (1).
Genome position (GRCh38, 1-based): chr17:31,095,356, G>C. VCF-style: chr17-31095356-G-C. GRCh37 (hg19) VCF-style: chr17-29422374-G-C.
Other names: c.47G>C, p.Arg16Pro (NM_000267.4, NM_001128147.3); short protein forms R16P.
Identifiers: ClinVar variation 481953 (VCV000481953.15), dbSNP rs1555594493, ClinGen allele CA398979374.